The following is an entry in ClinVar:

NM_001854.4(COL11A1):c.3247C>T (p.Pro1083Ser)

Gene: COL11A1 (collagen type XI alpha 1 chain; minus strand). Cytogenetic location: 1p21.1.
Variant type: single nucleotide variant.
Coding change: c.3247C>T on transcript NM_001854.4 (MANE Select); coding-DNA position 3247, C replaced by T.
Protein change: p.Pro1083Ser; replaces proline 1083 with serine.
Molecular consequence: missense variant. On other transcripts: non-coding transcript variant (1).
Genome position (GRCh38, 1-based): chr1:102,946,878, G>A on the plus strand (C>T on the coding strand, the complement: COL11A1 is on the minus strand). VCF-style: chr1-102946878-G-A. GRCh37 (hg19) VCF-style: chr1-103412434-G-A.
Other names: c.3130C>T, p.Pro1044Ser (NM_001190709.2); c.3283C>T, p.Pro1095Ser (NM_080629.3); c.2899C>T, p.Pro967Ser (NM_080630.4); short protein forms P1044S, P1083S, P1095S, P967S.
Identifiers: ClinVar variation 4536346 (VCV004536346.1).
Genomic context (GRCh38, chr1:102,946,878, plus strand): 5'-CATAATATATTTTCTCCTAGACATTACTTACAGGAGCACCTTTCTCTCCAGCTGGACCAG[G>A]AGGACCCTGAGGTCCCGGGCGCCCTGGTAAACCAATTGGGCCAGCTGTACCTGCTGACCC-3'
Protein context (NP_001845.3, residues 1073-1093): LPGRPGPQGP[Pro1083Ser]GPAGEKGAPG

ClinVar aggregate classification (germline): Uncertain significance (1 of 4 stars; one submission).

gnomAD v4.1: 3 of 1,613,508 alleles (0.00019%); highest among the groups gnomAD compares: Admixed American, 0.005%; no homozygotes.

Submission:

GeneDx
Classification: Uncertain significance. Last evaluated: 2025-06-03. Review status: criteria provided, single submitter. Criteria: GeneDx Variant Classification Process June 2021. Collection method: clinical testing. Allele origin: germline. Affected: yes.
Comment: Not observed at significant frequency in large population cohorts (gnomAD); In silico analysis supports that this missense variant has a deleterious effect on protein structure/function; Has not been previously published as pathogenic or benign to our knowledge